The following is an entry in ClinVar:

ClinVar aggregate classification (germline): Uncertain significance (1 of 4 stars; one submission).

Submission:

Labcorp Genetics (formerly Invitae), Labcorp
Classification: Uncertain significance. Last evaluated: 2022-09-01. Review status: criteria provided, single submitter. Criteria: Invitae Variant Classification Sherloc (09022015). Collection method: clinical testing. Allele origin: germline.
Comment: In summary, the available evidence is currently insufficient to determine the role of this variant in disease. Therefore, it has been classified as a Variant of Uncertain Significance. This variant has not been reported in the literature in individuals affected with ADCY5-related conditions. The frequency data for this variant in the population databases is considered unreliable, as metrics indicate poor data quality at this position in the gnomAD database. This variant, c.412_414dup, results in the insertion of 1 amino acid(s) of the ADCY5 protein (p.Gly138dup), but otherwise preserves the integrity of the reading frame.

NM_183357.3(ADCY5):c.400GGC[6] (p.Gly138dup)

Gene: ADCY5 (adenylate cyclase 5; minus strand). Cytogenetic location: 3q21.1.
Variant type: Microsatellite.
Coding change: c.400GGC[6] on transcript NM_183357.3 (MANE Select); six copies in a row of the 3-base unit GGC starting at c.400; the reference has five copies in a row; one copy, 3 bases duplicated.
Protein change: p.Gly138dup; duplicates glycine 138.
Molecular consequence: inframe insertion.
Genome position (GRCh38, 1-based): chr3:123,448,132-123,448,134, GCC duplicated on the plus strand (GGC on the coding strand, the reverse complement: ADCY5 is on the minus strand); duplicating any 3 consecutive bases within chr3:123,448,132-123,448,146 gives the same sequence; the position shown is the placement nearest the transcript's 3' end. VCF-style (leftmost placement, unchanged base first): chr3-123448131-A-AGCC. GRCh37 (hg19) VCF-style: chr3-123166978-A-AGCC.
Other names: c.400GGC[6], p.Gly138dup (NM_001378259.1).
Identifiers: ClinVar variation 1515986 (VCV001515986.6), dbSNP rs751167282, ClinGen allele CA82636234.